The following is an entry in ClinVar:

ClinVar aggregate classification (germline): Likely benign (1 of 4 stars; one submission).

Submission:

CeGaT Center for Human Genetics Tuebingen
Classification: Likely benign. Last evaluated: 2026-01-01. Review status: criteria provided, single submitter. Criteria: CeGaT Center For Human Genetics Tuebingen Variant Classification Criteria Version 2. Collection method: clinical testing. Allele origin: germline. Affected: yes. Observed: 2 variant alleles.
Comment: MED12: PM2:Supporting, BP4, BP7

NM_005120.3(MED12):c.6288G>A (p.Gln2096=)

Gene: MED12 (mediator complex subunit 12; plus strand). Cytogenetic location: Xq13.1.
Variant type: single nucleotide variant.
Coding change: c.6288G>A on transcript NM_005120.3 (MANE Select); coding-DNA position 6288, G replaced by A.
Protein change: p.Gln2096=; no amino-acid change (glutamine 2096 retained).
Molecular consequence: synonymous variant.
Genome position (GRCh38, 1-based): chrX:71,141,250, G>A. VCF-style: chrX-71141250-G-A. GRCh37 (hg19) VCF-style: chrX-70361100-G-A.
Identifiers: ClinVar variation 3904785 (VCV003904785.10).
Genomic context (GRCh38, chrX:71,141,250, plus strand): 5'-TCCCTCTGCTCCTTCTGAAGTATCTTTTGTGTTCTTATAGCAGCAGCAGCAACAGCAACA[G>A]CAGCAGCAGCAGCAGCAGCAACAGCAACAGCAGCAGCAGCAACAGCAACAACAGCAACAC-3'
Protein context (NP_005111.2, residues 2086-2106): QILRQQQQQQ[Gln2096=]QQQQQQQQQQ